The following is an entry in ClinVar:

NM_000124.4(ERCC6):c.4015T>C (p.Phe1339Leu)

Gene: ERCC6 (ERCC excision repair 6, chromatin remodeling factor; minus strand). Cytogenetic location: 10q11.23.
Variant type: single nucleotide variant.
Coding change: c.4015T>C on transcript NM_000124.4 (MANE Select); coding-DNA position 4015, T replaced by C.
Protein change: p.Phe1339Leu; replaces phenylalanine 1339 with leucine.
Molecular consequence: missense variant.
Genome position (GRCh38, 1-based): chr10:49,460,420, A>G on the plus strand (T>C on the coding strand, the complement: ERCC6 is on the minus strand). VCF-style: chr10-49460420-A-G. GRCh37 (hg19) VCF-style: chr10-50668466-A-G.
Other names: c.4015T>C, p.Phe1339Leu (NM_001346440.2); short protein forms F1339L.
Identifiers: ClinVar variation 1516113 (VCV001516113.9), dbSNP rs116715649, ClinGen allele CA5495204.

ClinVar aggregate classification (germline): Uncertain significance. Review status: criteria provided, multiple submitters, no conflicts (2 of 4 stars). 5 submissions from 5 submitters: Uncertain significance (5). Last evaluated 2025-02-03.

Conditions:
Age related macular degeneration 5. Identifiers: MedGen C3151063, MONDO:0013409, OMIM 613761.
Cockayne syndrome type 2 (CSB). Also called: Cockayne Syndrome, Type II; COCKAYNE SYNDROME B. Identifiers: Orphanet 191, Orphanet 90322, MedGen C0751038, MONDO:0019570, OMIM 133540.
Lung cancer. Also called: Lung cancer, somatic; Malignant tumor of lung. Identifiers: MedGen C0242379, MONDO:0008903, OMIM 211980.
DE SANCTIS-CACCHIONE SYNDROME. Identifiers: MedGen C0265201, MONDO:0010217, OMIM 278800.
Premature ovarian failure 11 (POF11). Identifiers: MedGen C4310783, MONDO:0014843, OMIM 616946.
Cerebrooculofacioskeletal syndrome 1 (COFS1). Also called: Cerebro-oculo-facio-skeletal syndrome 1. Identifiers: MedGen C0220722, MONDO:0008955, OMIM 214150.
UV-sensitive syndrome 1 (UVSS1). Identifiers: Orphanet 178338, MedGen C3551173, MONDO:0010909, OMIM 600630.

Allele frequency attached by ClinVar (database versions not stated): gnomAD 0.00003 and 0.00007; gnomAD exomes 0.00003 and 0.00004; TOPMed 0.00005; ExAC 0.00007; ESP Exome Variant Server 0.00008; 1000 Genomes Project 30x 0.00078; 1000 Genomes Project 0.00100.
gnomAD v4.1: 54 of 1,613,682 alleles (0.0033%); highest among the groups gnomAD compares: Middle Eastern, 0.082%; no homozygotes.

Submissions (5):

Labcorp Genetics (formerly Invitae), Labcorp
Classification: Uncertain significance. Last evaluated: 2025-02-03. Review status: criteria provided, single submitter. Criteria: Invitae Variant Classification Sherloc (09022015). Collection method: clinical testing. Allele origin: germline.
Comment: This sequence change replaces phenylalanine, which is neutral and non-polar, with leucine, which is neutral and non-polar, at codon 1339 of the ERCC6 protein (p.Phe1339Leu). This variant is present in population databases (rs116715649, gnomAD 0.03%). This variant has not been reported in the literature in individuals affected with ERCC6-related conditions. ClinVar contains an entry for this variant (Variation ID: 1516113). An algorithm developed to predict the effect of missense changes on protein structure and function outputs the following: PolyPhen-2: "Benign". The leucine amino acid residue is found in multiple mammalian species, which suggests that this missense change does not adversely affect protein function. In summary, the available evidence is currently insufficient to determine the role of this variant in disease. Therefore, it has been classified as a Variant of Uncertain Significance.

Revvity Omics, Revvity
Classification: Uncertain significance. Last evaluated: 2022-12-13. Review status: criteria provided, single submitter. Criteria: ACMG Guidelines, 2015. Collection method: clinical testing. Allele origin: germline.

Women's Health and Genetics/Laboratory Corporation of America, LabCorp
Classification: Uncertain significance. Last evaluated: 2022-06-01. Review status: criteria provided, single submitter. Criteria: LabCorp Variant Classification Summary - May 2015. Collection method: clinical testing. Allele origin: germline.
Comment: Variant summary: ERCC6 c.4015T>C (p.Phe1339Leu) results in a non-conservative amino acid change in the encoded protein sequence. Four of five in-silico tools predict a benign effect of the variant on protein function. The variant allele was found at a frequency of 4e-05 in 251182 control chromosomes. This frequency is not significantly higher than expected for a pathogenic variant in ERCC6 causing Cockayne Syndrome (4e-05 vs 0.0016), allowing no conclusion about variant significance. To our knowledge, no occurrence of c.4015T>C in individuals affected with Cockayne Syndrome and no experimental evidence demonstrating its impact on protein function have been reported. One clinical diagnostic laboratory has submitted clinical-significance assessments for this variant to ClinVar after 2014 without evidence for independent evaluation and classified the variant as uncertain significance. Based on the evidence outlined above, the variant was classified as uncertain significance.

Fulgent Genetics
Classification: Uncertain significance for Cockayne syndrome type 2; Lung cancer; Cerebrooculofacioskeletal syndrome 1; DE SANCTIS-CACCHIONE SYNDROME; UV-sensitive syndrome 1; Age related macular degeneration 5; Premature ovarian failure 11. Last evaluated: 2021-07-03. Review status: criteria provided, single submitter. Criteria: ACMG Guidelines, 2015. Collection method: clinical testing. Allele origin: unknown.

Breakthrough Genomics
Classification: Uncertain significance. Review status: criteria provided, single submitter. Criteria: ACMG Guidelines, 2015. Collection method: not provided. Allele origin: germline. Inheritance: Autosomal recessive inheritance. Affected: yes.